The following is an entry in ClinVar:

NM_004612.4(TGFBR1):c.929C>A (p.Ala310Glu)

Gene: TGFBR1 (transforming growth factor beta receptor 1; plus strand). Cytogenetic location: 9q22.33.
Variant type: single nucleotide variant.
Coding change: c.929C>A on transcript NM_004612.4 (MANE Select); coding-DNA position 929, C replaced by A.
Protein change: p.Ala310Glu; replaces alanine 310 with glutamic acid.
Molecular consequence: missense variant.
Genome position (GRCh38, 1-based): chr9:99,142,659, C>A. VCF-style: chr9-99142659-C-A. GRCh37 (hg19) VCF-style: chr9-101904941-C-A.
Other names: c.698C>A, p.Ala233Glu (NM_001130916.3); c.941C>A, p.Ala314Glu (NM_001306210.2); short protein forms A314E, A233E, A310E.
Identifiers: ClinVar variation 923716 (VCV000923716.5), dbSNP rs202010361, ClinGen allele CA374230752.

ClinVar aggregate classification (germline): Uncertain significance (1 of 4 stars; one submission).

Conditions:
Familial thoracic aortic aneurysm and aortic dissection (TAAD). Also called: Thoracic aortic aneurysms and dissections. Identifiers: Orphanet 91387, MedGen C4707243, MONDO:0019625.

Submission:

Color Diagnostics, LLC DBA Color Health
Classification: Uncertain significance for Familial thoracic aortic aneurysm and aortic dissection. Last evaluated: 2023-12-05. Review status: criteria provided, single submitter. Criteria: ACMG Guidelines, 2015. Collection method: clinical testing. Allele origin: germline.
Comment: This missense variant replaces alanine with glutamic acid at codon 310 of the TGFBR1 protein. Computational prediction tools and conservation analyses suggest that this variant may have deleterious impact on the protein function. Computational splicing tools suggest that this variant may not impact RNA splicing. To our knowledge, functional assays have not been performed for this variant nor has this variant been reported in individuals affected with cardiovascular disorders in the literature. This variant has not been identified in the general population by the Genome Aggregation Database (gnomAD). Available evidence is insufficient to determine the role of this variant in disease conclusively. Therefore, this variant is classified as a Variant of Uncertain Significance.